The following is an entry in ClinVar:

NM_000238.4(KCNH2):c.1334G>A (p.Cys445Tyr)

Gene: KCNH2 (potassium voltage-gated channel subfamily H member 2; minus strand). Cytogenetic location: 7q36.1.
Variant type: single nucleotide variant.
Coding change: c.1334G>A on transcript NM_000238.4 (MANE Select); coding-DNA position 1334, G replaced by A.
Protein change: p.Cys445Tyr; replaces cysteine 445 with tyrosine.
Molecular consequence: missense variant. On other transcripts: non-coding transcript variant (2).
Genome position (GRCh38, 1-based): chr7:150,952,648, C>T on the plus strand (G>A on the coding strand, the complement: KCNH2 is on the minus strand). VCF-style: chr7-150952648-C-T. GRCh37 (hg19) VCF-style: chr7-150649736-C-T.
Other names: c.314G>A, p.Cys105Tyr (NM_001204798.2, NM_172057.3); c.1046G>A, p.Cys349Tyr (NM_001406753.1, NM_001406756.1); c.1157G>A, p.Cys386Tyr (NM_001406755.1); c.1034G>A, p.Cys345Tyr (NM_001406757.1); c.1334G>A, p.Cys445Tyr (NM_172056.3); short protein forms C345Y, C386Y, C105Y, C349Y, C445Y.
Identifiers: ClinVar variation 3724708 (VCV003724708.2).

ClinVar aggregate classification (germline): Uncertain significance (1 of 4 stars; one submission).

Conditions:
Long QT syndrome (LQTS). Identifiers: MedGen C0023976, MeSH D008133, MONDO:0002442. Disease mechanism: loss of function. Inheritance: Various modes of inheritance.

Submission:

Labcorp Genetics (formerly Invitae), Labcorp
Classification: Uncertain significance for Long QT syndrome. Last evaluated: 2024-11-05. Review status: criteria provided, single submitter. Criteria: Invitae Variant Classification Sherloc (09022015). Collection method: clinical testing. Allele origin: germline.
Comment: This sequence change replaces cysteine, which is neutral and slightly polar, with tyrosine, which is neutral and polar, at codon 445 of the KCNH2 protein (p.Cys445Tyr). This variant is not present in population databases (gnomAD no frequency). This variant has not been reported in the literature in individuals affected with KCNH2-related conditions. An algorithm developed to predict the effect of missense changes on protein structure and function (PolyPhen-2) suggests that this variant is likely to be disruptive. In summary, the available evidence is currently insufficient to determine the role of this variant in disease. Therefore, it has been classified as a Variant of Uncertain Significance.